The following is an entry in ClinVar:

NM_001378615.1(CC2D2A):c.766G>A (p.Gly256Ser)

Genes: CC2D2A (coiled-coil and C2 domain containing 2A; plus strand), FBXL5 (F-box and leucine rich repeat protein 5; minus strand). Cytogenetic location: 4p15.32.
Variant type: single nucleotide variant.
Coding change: c.766G>A on transcript NM_001378615.1 (MANE Select); coding-DNA position 766, G replaced by A.
Protein change: p.Gly256Ser; replaces glycine 256 with serine.
Molecular consequence: missense variant.
Genome position (GRCh38, 1-based): chr4:15,514,755, G>A. VCF-style: chr4-15514755-G-A. GRCh37 (hg19) VCF-style: chr4-15516378-G-A.
Other names: c.766G>A, p.Gly256Ser (NM_001080522.2); c.619G>A, p.Gly207Ser (NM_001378617.1); short protein forms G207S, G256S.
Identifiers: ClinVar variation 1317356 (VCV001317356.3), dbSNP rs981848455, ClinGen allele CA92512088.

ClinVar aggregate classification (germline): Uncertain significance. Review status: criteria provided, multiple submitters, no conflicts (2 of 4 stars). 2 submissions from 2 submitters: Uncertain significance (2). Last evaluated 2024-12-13.

Conditions:
Inborn genetic diseases. Identifiers: MedGen C0950123, MeSH D030342.

Submissions (2):

Ambry Genetics
Classification: Uncertain significance for Inborn genetic diseases. Last evaluated: 2024-12-13. Review status: criteria provided, single submitter. Criteria: Ambry Variant Classification Scheme 2023. Collection method: clinical testing. Allele origin: germline.

GeneDx
Classification: Uncertain significance. Last evaluated: 2020-10-21. Review status: criteria provided, single submitter. Criteria: GeneDx Variant Classification Process June 2021. Collection method: clinical testing. Allele origin: germline. Affected: yes.
Comment: Not observed in large population cohorts (Lek et al., 2016); In silico analysis supports that this missense variant does not alter protein structure/function; Has not been previously published as pathogenic or benign to our knowledge